The following is an entry in ClinVar:

ClinVar aggregate classification (germline): Uncertain significance (1 of 4 stars; one submission).

Submission:

Labcorp Genetics (formerly Invitae), Labcorp
Classification: Uncertain significance. Last evaluated: 2025-09-02. Review status: criteria provided, single submitter. Criteria: Invitae Variant Classification Sherloc (09022015). Collection method: clinical testing. Allele origin: germline.
Comment: This sequence change replaces alanine, which is neutral and non-polar, with glycine, which is neutral and non-polar, at codon 1122 of the COL11A2 protein (p.Ala1122Gly). This variant is not present in population databases (gnomAD no frequency). This variant has not been reported in the literature in individuals affected with COL11A2-related conditions. ClinVar contains an entry for this variant (Variation ID: 1471866). An algorithm developed to predict the effect of missense changes on protein structure and function (PolyPhen-2) suggests that this variant is likely to be disruptive. In summary, the available evidence is currently insufficient to determine the role of this variant in disease. Therefore, it has been classified as a Variant of Uncertain Significance.

NM_080680.3(COL11A2):c.3365C>G (p.Ala1122Gly)

Gene: COL11A2 (collagen type XI alpha 2 chain; minus strand). Cytogenetic location: 6p21.32.
Variant type: single nucleotide variant.
Coding change: c.3365C>G on transcript NM_080680.3 (MANE Select); coding-DNA position 3365, C replaced by G.
Protein change: p.Ala1122Gly; replaces alanine 1122 with glycine.
Molecular consequence: missense variant.
Genome position (GRCh38, 1-based): chr6:33,171,115, G>C on the plus strand (C>G on the coding strand, the complement: COL11A2 is on the minus strand). VCF-style: chr6-33171115-G-C. GRCh37 (hg19) VCF-style: chr6-33138892-G-C.
Other names: c.3044C>G, p.Ala1015Gly (NM_080679.3); c.3107C>G, p.Ala1036Gly (NM_080681.3); short protein forms A1015G, A1036G, A1122G.
Identifiers: ClinVar variation 1471866 (VCV001471866.4), dbSNP rs748271072, ClinGen allele CA363634201.